The following is an entry in ClinVar:

NM_006231.4(POLE):c.314A>G (p.Tyr105Cys)

Gene: POLE (DNA polymerase epsilon, catalytic subunit; minus strand). Cytogenetic location: 12q24.33.
Variant type: single nucleotide variant.
Coding change: c.314A>G on transcript NM_006231.4 (MANE Select); coding-DNA position 314, A replaced by G.
Protein change: p.Tyr105Cys; replaces tyrosine 105 with cysteine.
Molecular consequence: missense variant.
Genome position (GRCh38, 1-based): chr12:132,680,194, T>C on the plus strand (A>G on the coding strand, the complement: POLE is on the minus strand). VCF-style: chr12-132680194-T-C. GRCh37 (hg19) VCF-style: chr12-133256780-T-C.
Other names: c.314A>G (NM_006231.2); short protein forms Y105C.
Identifiers: ClinVar variation 967117 (VCV000967117.13), dbSNP rs1451750169, ClinGen allele CA387368662.

ClinVar aggregate classification (germline): Uncertain significance. Review status: criteria provided, multiple submitters, no conflicts (2 of 4 stars). 3 submissions from 3 submitters: Uncertain significance (3). Last evaluated 2025-03-23.

Conditions:
Hereditary cancer-predisposing syndrome. Also called: Hereditary neoplastic syndrome; Neoplastic Syndromes, Hereditary; Hereditary Cancer Syndrome; Tumor predisposition. Identifiers: Orphanet 140162, MedGen C0027672, MeSH D009386, MONDO:0015356.
Facial dysmorphism-immunodeficiency-livedo-short stature syndrome. Also called: Facial dysmorphism, immunodeficiency, livedo, and short stature; FILS syndrome. Identifiers: Orphanet 352712, MedGen C3554576, MONDO:0014058, OMIM 615139.
Intrauterine growth retardation, metaphyseal dysplasia, adrenal hypoplasia congenita, genital anomalies, and immunodeficiency. Also called: IMAGEI SYNDROME. Identifiers: MedGen C5193036, MONDO:0032684, OMIM 618336.
Colorectal cancer, susceptibility to, 12 (CRCS12). Also called: COLORECTAL CANCER, SUSCEPTIBILITY TO, ON CHROMOSOME 12q24. Identifiers: Orphanet 220460, MedGen C3554460, MONDO:0014038, OMIM 615083.

Allele frequency attached by ClinVar (database versions not stated): TOPMed 0.00004; gnomAD 0.00009.
gnomAD v4.1: 20 of 1,614,030 alleles (0.0012%); highest among the groups gnomAD compares: Admixed American, 0.032%; no homozygotes.

Submissions (3):

Labcorp Genetics (formerly Invitae), Labcorp
Classification: Uncertain significance. Last evaluated: 2025-03-23. Review status: criteria provided, single submitter. Criteria: Invitae Variant Classification Sherloc (09022015). Collection method: clinical testing. Allele origin: germline.
Comment: This sequence change replaces tyrosine, which is neutral and polar, with cysteine, which is neutral and slightly polar, at codon 105 of the POLE protein (p.Tyr105Cys). This variant is present in population databases (no rsID available, gnomAD 0.02%). This variant has not been reported in the literature in individuals affected with POLE-related conditions. ClinVar contains an entry for this variant (Variation ID: 967117). Invitae Evidence Modeling of protein sequence and biophysical properties (such as structural, functional, and spatial information, amino acid conservation, physicochemical variation, residue mobility, and thermodynamic stability) indicates that this missense variant is not expected to disrupt POLE protein function with a negative predictive value of 80%. In summary, the available evidence is currently insufficient to determine the role of this variant in disease. Therefore, it has been classified as a Variant of Uncertain Significance.

Ambry Genetics
Classification: Uncertain significance for Hereditary cancer-predisposing syndrome. Last evaluated: 2025-02-26. Review status: criteria provided, single submitter. Criteria: Ambry Variant Classification Scheme 2023. Collection method: clinical testing. Allele origin: germline.
Comment: The p.Y105C variant (also known as c.314A>G), located in coding exon 4 of the POLE gene, results from an A to G substitution at nucleotide position 314. The tyrosine at codon 105 is replaced by cysteine, an amino acid with highly dissimilar properties. This amino acid position is conserved. In addition, this alteration is predicted to be deleterious by in silico analysis. Based on the available evidence, the clinical significance of this variant remains unclear.

Fulgent Genetics
Classification: Uncertain significance for Colorectal cancer, susceptibility to, 12; Facial dysmorphism-immunodeficiency-livedo-short stature syndrome; Intrauterine growth retardation, metaphyseal dysplasia, adrenal hypoplasia congenita, genital anomalies, and immunodeficiency. Last evaluated: 2024-02-15. Review status: criteria provided, single submitter. Criteria: ACMG Guidelines, 2015. Collection method: clinical testing. Allele origin: germline.